The following is an entry in ClinVar:

ClinVar aggregate classification (germline): Uncertain significance (1 of 4 stars; one submission).

Conditions:
Intellectual disability. Also called: Intellectual functioning disability; intellectual disabilities; Intellectual developmental disorder. Identifiers: MedGen C3714756, MeSH D008607, MONDO:0001071, HP:0001249.

Submission:

Labcorp Genetics (formerly Invitae), Labcorp
Classification: Uncertain significance for Intellectual disability. Last evaluated: 2023-12-31. Review status: criteria provided, single submitter. Criteria: Invitae Variant Classification Sherloc (09022015). Collection method: clinical testing. Allele origin: germline.
Comment: This sequence change replaces methionine, which is neutral and non-polar, with valine, which is neutral and non-polar, at codon 85 of the GABRB2 protein (p.Met85Val). This variant is present in population databases (no rsID available, gnomAD 0.003%). This variant has not been reported in the literature in individuals affected with GABRB2-related conditions. Advanced modeling of protein sequence and biophysical properties (such as structural, functional, and spatial information, amino acid conservation, physicochemical variation, residue mobility, and thermodynamic stability) has been performed at Invitae for this missense variant, however the output from this modeling did not meet the statistical confidence thresholds required to predict the impact of this variant on GABRB2 protein function. In summary, the available evidence is currently insufficient to determine the role of this variant in disease. Therefore, it has been classified as a Variant of Uncertain Significance.

NM_001371727.1(GABRB2):c.253A>G (p.Met85Val)

Gene: GABRB2 (gamma-aminobutyric acid type A receptor subunit beta2; minus strand). Cytogenetic location: 5q34.
Variant type: single nucleotide variant.
Coding change: c.253A>G on transcript NM_001371727.1 (MANE Select); coding-DNA position 253, A replaced by G.
Protein change: p.Met85Val; replaces methionine 85 with valine.
Molecular consequence: missense variant.
Genome position (GRCh38, 1-based): chr5:161,459,829, T>C on the plus strand (A>G on the coding strand, the complement: GABRB2 is on the minus strand). VCF-style: chr5-161459829-T-C. GRCh37 (hg19) VCF-style: chr5-160886835-T-C.
Other names: c.253A>G, p.Met85Val (NM_000813.3, NM_021911.3); short protein forms M85V.
Identifiers: ClinVar variation 2806183 (VCV002806183.3), dbSNP rs1301983033, ClinGen allele CA362174158.